The following is an entry in ClinVar:

ClinVar aggregate classification (germline): Uncertain significance. Review status: criteria provided, multiple submitters, no conflicts (2 of 4 stars). 2 submissions from 2 submitters: Uncertain significance (2). Last evaluated 2023-10-29.

Conditions:
Aicardi-Goutieres syndrome 2. Identifiers: Orphanet 51, MedGen C3489724, MONDO:0012429, OMIM 610181.

Allele frequency attached by ClinVar (database versions not stated): gnomAD exomes below 0.00001.
gnomAD v4.1: 1 of 1,613,924 alleles (0.000062%); highest among the groups gnomAD compares: Non-Finnish European, 0.000085%; no homozygotes.

Submissions (2):

Labcorp Genetics (formerly Invitae), Labcorp
Classification: Uncertain significance for Aicardi-Goutieres syndrome 2. Last evaluated: 2023-10-29. Review status: criteria provided, single submitter. Criteria: Invitae Variant Classification Sherloc (09022015). Collection method: clinical testing. Allele origin: germline.
Comment: This sequence change replaces glutamic acid, which is acidic and polar, with lysine, which is basic and polar, at codon 62 of the RNASEH2B protein (p.Glu62Lys). This variant is not present in population databases (gnomAD no frequency). This variant has not been reported in the literature in individuals affected with RNASEH2B-related conditions. ClinVar contains an entry for this variant (Variation ID: 1511862). Advanced modeling of protein sequence and biophysical properties (such as structural, functional, and spatial information, amino acid conservation, physicochemical variation, residue mobility, and thermodynamic stability) has been performed at Invitae for this missense variant, however the output from this modeling did not meet the statistical confidence thresholds required to predict the impact of this variant on RNASEH2B protein function. Algorithms developed to predict the effect of sequence changes on RNA splicing suggest that this variant may disrupt the consensus splice site. In summary, the available evidence is currently insufficient to determine the role of this variant in disease. Therefore, it has been classified as a Variant of Uncertain Significance.

MGZ Medical Genetics Center
Classification: Uncertain significance for Aicardi-Goutieres syndrome 2. Last evaluated: 2021-10-29. Review status: criteria provided, single submitter. Criteria: ACMG Guidelines, 2015. Collection method: clinical testing. Allele origin: germline. Affected: yes. Observed: 1 variant allele.
Comment: ACMG criteria applied: PM2_SUP, PP3

NM_024570.4(RNASEH2B):c.184G>A (p.Glu62Lys)

Gene: RNASEH2B (ribonuclease H2 subunit B; plus strand). Cytogenetic location: 13q14.3.
Variant type: single nucleotide variant.
Coding change: c.184G>A on transcript NM_024570.4 (MANE Select); coding-DNA position 184, G replaced by A.
Protein change: p.Glu62Lys; replaces glutamic acid 62 with lysine.
Molecular consequence: missense variant.
Genome position (GRCh38, 1-based): chr13:50,929,522, G>A. VCF-style: chr13-50929522-G-A. GRCh37 (hg19) VCF-style: chr13-51503658-G-A.
Other names: c.184G>A, p.Glu62Lys (NM_001142279.2); short protein forms E62K.
Identifiers: ClinVar variation 1511862 (VCV001511862.10), dbSNP rs2137933016, ClinGen allele CA388258764.